The following is an entry in ClinVar:

ClinVar aggregate classification (germline): Pathogenic (1 of 4 stars; one submission).

Conditions:
X-linked Alport syndrome (ATS1). Also called: NEPHROPATHY AND DEAFNESS, X-LINKED; COL4A5-Related Nephropathy. Identifiers: Orphanet 63, Orphanet 88917, MedGen C4746986, MONDO:0010520, OMIM 301050.

Submissions (2):

Myriad Genetics, Inc.
Classification: Pathogenic for X-linked Alport syndrome. Last evaluated: 2024-05-08. Review status: criteria provided, single submitter. Criteria: Myriad Autosomal Dominant, Autosomal Recessive and X-Linked Classification Criteria (2023). Collection method: clinical testing. Allele origin: unknown.
Comment: NM_000495.4(COL4A5):c.871C>T(Q291*) is expected to be pathogenic in the context of X-linked Alport syndrome. This variant is predicted to lead to an abnormal or absent protein product due to the creation of a premature termination codon in COL4A5, a gene where loss-of-function variants are known to be pathogenic. Please note: this variant was assessed in the context of healthy population screening.

Dr. Peter K. Rogan Lab, Western University
No classification provided (evidence only). Condition: Nonpapillary renal cell carcinoma. Review status: no classification provided. Collection method: in vitro. Allele origin: not applicable. Functional consequence: retained intron. Not counted in ClinVar's aggregate classification.

NM_033380.3(COL4A5):c.871C>T (p.Gln291Ter)

Gene: COL4A5 (collagen type IV alpha 5 chain; plus strand). Cytogenetic location: Xq22.3.
Variant type: single nucleotide variant.
Coding change: c.871C>T on transcript NM_033380.3 (MANE Select); coding-DNA position 871, C replaced by T.
Protein change: p.Gln291Ter; replaces glutamine 291 with a stop codon.
Molecular consequence: nonsense.
Genome position (GRCh38, 1-based): chrX:108,580,718, C>T. VCF-style: chrX-108580718-C-T. GRCh37 (hg19) VCF-style: chrX-107823948-C-T.
Other names: NC_000023.10:g.107823948C>T; c.871C>T, p.Gln291Ter (NM_000495.5); short protein forms Q291*.
Identifiers: ClinVar variation 4463796 (VCV004463796.2), dbSNP rs1569490975.